The following is an entry in ClinVar:

ClinVar aggregate classification (germline): Uncertain significance. Review status: criteria provided, multiple submitters, no conflicts (2 of 4 stars). 3 submissions from 3 submitters: Uncertain significance (3). Last evaluated 2024-05-20.

Conditions:
Inborn genetic diseases. Identifiers: MedGen C0950123, MeSH D030342.

Allele frequency attached by ClinVar (database versions not stated): ExAC 0.00007; ESP Exome Variant Server 0.00008; gnomAD exomes 0.00009 and 0.00011.
gnomAD v4.1: 137 of 1,612,822 alleles (0.0085%); highest among the groups gnomAD compares: Admixed American, 0.035%; no homozygotes.

Submissions (3):

Ambry Genetics
Classification: Uncertain significance for Inborn genetic diseases. Last evaluated: 2024-05-20. Review status: criteria provided, single submitter. Criteria: Ambry Variant Classification Scheme 2023. Collection method: clinical testing. Allele origin: germline.

Labcorp Genetics (formerly Invitae), Labcorp
Classification: Uncertain significance. Last evaluated: 2022-08-31. Review status: criteria provided, single submitter. Criteria: Invitae Variant Classification Sherloc (09022015). Collection method: clinical testing. Allele origin: germline.
Comment: In summary, the available evidence is currently insufficient to determine the role of this variant in disease. Therefore, it has been classified as a Variant of Uncertain Significance. Algorithms developed to predict the effect of missense changes on protein structure and function (SIFT, PolyPhen-2, Align-GVGD) all suggest that this variant is likely to be tolerated. ClinVar contains an entry for this variant (Variation ID: 1320494). This variant has not been reported in the literature in individuals affected with HERC1-related conditions. This variant is present in population databases (rs374565654, gnomAD 0.05%). This sequence change replaces serine, which is neutral and polar, with leucine, which is neutral and non-polar, at codon 3657 of the HERC1 protein (p.Ser3657Leu).

GeneDx
Classification: Uncertain significance. Last evaluated: 2019-06-06. Review status: criteria provided, single submitter. Criteria: GeneDx Variant Classification Process June 2021. Collection method: clinical testing. Allele origin: germline. Affected: yes.
Comment: In silico analysis, which includes protein predictors and evolutionary conservation, supports that this variant does not alter protein structure/function; Has not been previously published as pathogenic or benign to our knowledge

NM_003922.4(HERC1):c.10970C>T (p.Ser3657Leu)

Gene: HERC1 (HECT and RLD domain containing E3 ubiquitin protein ligase family member 1; minus strand). Cytogenetic location: 15q22.31.
Variant type: single nucleotide variant.
Coding change: c.10970C>T on transcript NM_003922.4 (MANE Select); coding-DNA position 10970, C replaced by T.
Protein change: p.Ser3657Leu; replaces serine 3657 with leucine.
Molecular consequence: missense variant.
Genome position (GRCh38, 1-based): chr15:63,645,591, G>A on the plus strand (C>T on the coding strand, the complement: HERC1 is on the minus strand). VCF-style: chr15-63645591-G-A. GRCh37 (hg19) VCF-style: chr15-63937790-G-A.
Other names: short protein forms S3657L.
Identifiers: ClinVar variation 1320494 (VCV001320494.9), dbSNP rs374565654, ClinGen allele CA7604348.